The following is an entry in ClinVar:

ClinVar aggregate classification (germline): Uncertain significance (1 of 4 stars; one submission).

gnomAD v4.1: 34 of 1,613,804 alleles (0.0021%); highest among the groups gnomAD compares: Admixed American, 0.0083%; no homozygotes.

Submission:

CeGaT Center for Human Genetics Tuebingen
Classification: Uncertain significance. Last evaluated: 2025-11-01. Review status: criteria provided, single submitter. Criteria: CeGaT Center For Human Genetics Tuebingen Variant Classification Criteria Version 2. Collection method: clinical testing. Allele origin: germline. Affected: yes. Observed: 1 variant allele.
Comment: FLG: PM2:Supporting, BP4

NM_002016.2(FLG):c.4882C>G (p.His1628Asp)

Genes: CCDST (cervical cancer associated DHX9 suppressive transcript; plus strand), FLG (filaggrin; minus strand). Cytogenetic location: 1q21.3.
Variant type: single nucleotide variant.
Coding change: c.4882C>G on transcript NM_002016.2 (MANE Select); coding-DNA position 4882, C replaced by G.
Protein change: p.His1628Asp; replaces histidine 1628 with aspartic acid.
Molecular consequence: missense variant.
Genome position (GRCh38, 1-based): chr1:152,310,004, G>C on the plus strand (C>G on the coding strand, the complement: FLG is on the minus strand). VCF-style: chr1-152310004-G-C. GRCh37 (hg19) VCF-style: chr1-152282480-G-C.
Other names: short protein forms H1628D.
Identifiers: ClinVar variation 4681674 (VCV004681674.5).
Genomic context (GRCh38, chr1:152,310,004, plus strand): 5'-CTGCAGAGTGCCCATGACTGGCTCTATCTTCTTGATGGGACCTGGGGTTCCTGGAGCCAT[G>C]TCTTGACTGCTCCCGAGCAGATCCATAATGGTTTCTGGAAGCCGACTCAGACCGCCTCTC-3'
Protein context (NP_002007.1, residues 1618-1638): HYGSAREQSR[His1628Asp]GSRNPRSHQE